The following is an entry in ClinVar:

NM_000138.5(FBN1):c.5423-12T>C

Gene: FBN1 (fibrillin 1; minus strand). Cytogenetic location: 15q21.1.
Variant type: single nucleotide variant.
Coding change: c.5423-12T>C on transcript NM_000138.5 (MANE Select); 12 bases into the intron before coding-DNA position 5423, T replaced by C.
Molecular consequence: intron variant.
Genome position (GRCh38, 1-based): chr15:48,452,696, A>G on the plus strand (T>C on the coding strand, the complement: FBN1 is on the minus strand). VCF-style: chr15-48452696-A-G. GRCh37 (hg19) VCF-style: chr15-48744893-A-G.
Other names: c.5423-12T>C (NM_001406716.1).
Identifiers: ClinVar variation 4758447 (VCV004758447.1).

ClinVar aggregate classification (germline): Uncertain significance (1 of 4 stars; one submission).

Conditions:
Familial thoracic aortic aneurysm and aortic dissection (TAAD). Also called: Thoracic aortic aneurysms and dissections. Identifiers: Orphanet 91387, MedGen C4707243, MONDO:0019625.

gnomAD v4.1: 2 of 1,613,926 alleles (0.00012%); highest among the groups gnomAD compares: Non-Finnish European, 0.00017%; no homozygotes.

Submission:

Color Diagnostics, LLC DBA Color Health
Classification: Uncertain significance for Familial thoracic aortic aneurysm and aortic dissection. Last evaluated: 2025-04-09. Review status: criteria provided, single submitter. Criteria: ACMG Guidelines, 2015. Collection method: clinical testing. Allele origin: germline.
Comment: This variant causes a T to C nucleotide substitution at the -12 position of intron 44 of the FBN1 gene. To our knowledge, functional studies have not been reported for this variant. This variant has not been reported in individuals affected with FBN1-related disorders in the literature. This variant has not been identified in the general population by the Genome Aggregation Database (gnomAD). The available evidence is insufficient to determine the role of this variant in disease conclusively. Therefore, this variant is classified as a Variant of Uncertain Significance.